The following is an entry in ClinVar:

NM_000106.6(CYP2D6):c.181-140del

Gene: CYP2D6 (cytochrome P450 family 2 subfamily D member 6 (gene/pseudogene); minus strand). Cytogenetic location: 22q13.2.
Variant type: Deletion.
Coding change: c.181-140del on transcript NM_000106.6 (MANE Select); 140 bases into the intron before coding-DNA position 181, one base deleted (C; older notation c.181-140delC).
Molecular consequence: intron variant.
Genome position (GRCh38, 1-based): chr22:42,130,049, G deleted on the plus strand (C on the coding strand, the reverse complement: CYP2D6 is on the minus strand); the first of 4 consecutive G bases (chr22:42,130,049-42,130,052); deleting any one gives the same sequence. VCF-style (leftmost placement, unchanged base first): chr22-42130048-TG-T. GRCh37 (hg19) VCF-style: chr22-42526050-TG-T.
Other names: c.181-140del (LRG_303t1, NM_001025161.3).
Identifiers: ClinVar variation 162489 (VCV000162489.3), dbSNP rs267608275, ClinGen allele CA233381.

ClinVar aggregate classification (germline): drug response (0 of 4 stars; one submission).

Submission:

Center for Pediatric Genomic Medicine, Children's Mercy Hospital and Clinics
Classification: drug response. Review status: no assertion criteria provided. Collection method: not provided. Allele origin: unknown.
Comment: Local ID are assigned based on location in M33388 CYP2D6
ClinVar note: Converted during submission from drug-response to drug response.